The following is an entry in ClinVar:

ClinVar aggregate classification (germline): Uncertain significance. Review status: criteria provided, multiple submitters, no conflicts (2 of 4 stars). 2 submissions from 2 submitters: Uncertain significance (2). Last evaluated 2023-01-06.

Conditions:
Hereditary spastic paraplegia 11. Also called: SPASTIC PARAPLEGIA, AUTOSOMAL RECESSIVE, COMPLICATED, WITH THIN CORPUS CALLOSUM; SPASTIC PARAPLEGIA, AUTOSOMAL RECESSIVE, WITH MENTAL IMPAIRMENT AND THIN CORPUS CALLOSUM; Spastic paraplegia, mental retardation and thin corpus callosum; Spastic Paraplegia 11; Nakamura Osame syndrome; Autosomal recessive hereditary spastic paraplegia, mental impairment, and thin corpus callosum. Identifiers: Orphanet 2822, MedGen C1858479, MONDO:0011445, OMIM 604360.
Inborn genetic diseases. Identifiers: MedGen C0950123, MeSH D030342.

Allele frequency attached by ClinVar (database versions not stated): ExAC 0.00001; TOPMed 0.00002.
gnomAD v4.1: 5 of 1,614,150 alleles (0.00031%); highest among the groups gnomAD compares: Admixed American, 0.0083%; no homozygotes.

Submissions (2):

Ambry Genetics
Classification: Uncertain significance for Inborn genetic diseases. Last evaluated: 2023-01-06. Review status: criteria provided, single submitter. Criteria: Ambry Variant Classification Scheme 2023. Collection method: clinical testing. Allele origin: germline.

Labcorp Genetics (formerly Invitae), Labcorp
Classification: Uncertain significance for Hereditary spastic paraplegia 11. Last evaluated: 2022-07-19. Review status: criteria provided, single submitter. Criteria: Invitae Variant Classification Sherloc (09022015). Collection method: clinical testing. Allele origin: germline.
Comment: This sequence change replaces glycine, which is neutral and non-polar, with alanine, which is neutral and non-polar, at codon 2434 of the SPG11 protein (p.Gly2434Ala). This variant is present in population databases (rs755064786, gnomAD 0.01%). This variant has not been reported in the literature in individuals affected with SPG11-related conditions. ClinVar contains an entry for this variant (Variation ID: 1445615). Algorithms developed to predict the effect of missense changes on protein structure and function are either unavailable or do not agree on the potential impact of this missense change (SIFT: "Tolerated"; PolyPhen-2: "Probably Damaging"; Align-GVGD: "Class C0"). In summary, the available evidence is currently insufficient to determine the role of this variant in disease. Therefore, it has been classified as a Variant of Uncertain Significance.

NM_025137.4(SPG11):c.7301G>C (p.Gly2434Ala)

Gene: SPG11 (SPG11 vesicle trafficking associated, spatacsin; minus strand). Cytogenetic location: 15q21.1.
Variant type: single nucleotide variant.
Coding change: c.7301G>C on transcript NM_025137.4 (MANE Select); coding-DNA position 7301, G replaced by C.
Protein change: p.Gly2434Ala; replaces glycine 2434 with alanine.
Molecular consequence: missense variant.
Genome position (GRCh38, 1-based): chr15:44,563,152, C>G on the plus strand (G>C on the coding strand, the complement: SPG11 is on the minus strand). VCF-style: chr15-44563152-C-G. GRCh37 (hg19) VCF-style: chr15-44855350-C-G.
Other names: c.7301G>C (NM_025137.3); c.6962G>C, p.Gly2321Ala (NM_001160227.2); short protein forms G2321A, G2434A.
Identifiers: ClinVar variation 1445615 (VCV001445615.6), dbSNP rs755064786, ClinGen allele CA7533827.
Genomic context (GRCh38, chr15:44,563,152, plus strand): 5'-TACAAGAAAACAGACACCTATGAAATCATCTAACCTGCTAGCATGTCCTTTAGACAGCAA[C>G]CTGTCTGAGGGTCCTTCAGAAGCACATTTACAATTTCATAAAACTTGTGTTCGTATGCCA-3'
Protein context (NP_079413.3, residues 2424-2443): VNVLLKDPQT[Gly2434Ala]CCLKDMLAG